The following is an entry in ClinVar:

NM_022168.4(IFIH1):c.2919G>C (p.Val973=)

Gene: IFIH1 (interferon induced with helicase C domain 1; minus strand). Cytogenetic location: 2q24.2.
Variant type: single nucleotide variant.
Coding change: c.2919G>C on transcript NM_022168.4 (MANE Select); coding-DNA position 2919, G replaced by C.
Protein change: p.Val973=; no amino-acid change (valine 973 retained).
Molecular consequence: synonymous variant.
Genome position (GRCh38, 1-based): chr2:162,267,359, C>G on the plus strand (G>C on the coding strand, the complement: IFIH1 is on the minus strand). VCF-style: chr2-162267359-C-G. GRCh37 (hg19) VCF-style: chr2-163123869-C-G.
Other names: c.2919G>C, p.Val973= (LRG_1235t1).
Identifiers: ClinVar variation 435492 (VCV000435492.34), dbSNP rs376116707, ClinGen allele CA1934019.

ClinVar aggregate classification (germline): Conflicting classifications of pathogenicity. Review status: criteria provided, conflicting classifications (1 of 4 stars). 5 submissions from 5 submitters: Uncertain significance (1); Likely benign (3). 1 of the submissions does not count toward it. Last evaluated 2026-01-18.

Conditions:
IFIH1-related disorder. Also called: IFIH1-related condition.
Singleton-Merten syndrome 1 (SGMRT1). Also called: Widened medullary cavities of bone, aortic calcification, abnormal dentition, and muscular weakness; Syndrome of widened medullary cavities of the metacarpals and phalanges, aortic calcification and abnormal dentition. Identifiers: Orphanet 85191, MedGen C4225427, MONDO:0024535, OMIM 182250.
Aicardi-Goutieres syndrome 7 (AGS7). Identifiers: Orphanet 51, MedGen C3888244, MONDO:0014367, OMIM 615846.

Allele frequency attached by ClinVar (database versions not stated): gnomAD exomes 0.00004 and 0.00008; TOPMed 0.00004; ExAC 0.00007; gnomAD 0.00007 and 0.00008; ESP Exome Variant Server 0.00008.
gnomAD v4.1: 78 of 1,613,750 alleles (0.0048%); highest among the groups gnomAD compares: Middle Eastern, 0.017%; 1 homozygote.

Submissions (5):

Labcorp Genetics (formerly Invitae), Labcorp
Classification: Likely benign for Aicardi-Goutieres syndrome 7; Singleton-Merten syndrome 1. Last evaluated: 2026-01-18. Review status: criteria provided, single submitter. Criteria: Invitae Variant Classification Sherloc (09022015). Collection method: clinical testing. Allele origin: germline.

CeGaT Center for Human Genetics Tuebingen
Classification: Likely benign. Last evaluated: 2025-10-01. Review status: criteria provided, single submitter. Criteria: CeGaT Center For Human Genetics Tuebingen Variant Classification Criteria Version 2. Collection method: clinical testing. Allele origin: germline. Affected: yes. Observed: 2 variant alleles.
Comment: IFIH1: BP4, BP7

Blueprint Genetics
Classification: Likely benign. Last evaluated: 2024-11-22. Review status: criteria provided, single submitter. Criteria: ACMG Guidelines, 2015. Collection method: clinical testing. Allele origin: germline.

Genetic Services Laboratory, University of Chicago
Classification: Uncertain significance. Last evaluated: 2016-05-11. Review status: criteria provided, single submitter. Criteria: ACMG Guidelines, 2015. Collection method: clinical testing. Allele origin: germline. Affected: no.

PreventionGenetics, part of Exact Sciences
Classification: Likely benign for IFIH1-related condition. Last evaluated: 2022-08-30. Review status: no assertion criteria provided. Collection method: clinical testing. Allele origin: germline. Not counted in ClinVar's aggregate classification.
Comment: This variant is classified as likely benign based on ACMG/AMP sequence variant interpretation guidelines (Richards et al. 2015 PMID: 25741868, with internal and published modifications).